The following is an entry in ClinVar:

ClinVar aggregate classification (germline): Uncertain significance. Review status: criteria provided, multiple submitters, no conflicts (2 of 4 stars). 2 submissions from 2 submitters: Uncertain significance (2). Last evaluated 2024-07-05.

Conditions:
Progressive sclerosing poliodystrophy (MTDPS4A). Also called: Mitochondrial DNA Depletion Syndrome 4A; Alpers-Huttenlocher Syndrome (AHS); ALPERS PROGRESSIVE INFANTILE POLIODYSTROPHY; NEURONAL DEGENERATION OF CHILDHOOD WITH LIVER DISEASE, PROGRESSIVE; Alpers Syndrome; ALPERS DIFFUSE DEGENERATION OF CEREBRAL GRAY MATTER WITH HEPATIC CIRRHOSIS. Identifiers: Orphanet 726, MedGen C0205710, MONDO:0008758, OMIM 203700.

Submissions (2):

GeneDx
Classification: Uncertain significance. Last evaluated: 2024-07-05. Review status: criteria provided, single submitter. Criteria: GeneDx Variant Classification Process June 2021. Collection method: clinical testing. Allele origin: germline. Affected: yes.
Comment: Not observed at significant frequency in large population cohorts (gnomAD); In silico analysis indicates that this missense variant does not alter protein structure/function; Has not been previously published as pathogenic or benign to our knowledge

Labcorp Genetics (formerly Invitae), Labcorp
Classification: Uncertain significance for Progressive sclerosing poliodystrophy. Last evaluated: 2024-04-16. Review status: criteria provided, single submitter. Criteria: Invitae Variant Classification Sherloc (09022015). Collection method: clinical testing. Allele origin: germline.
Comment: This sequence change replaces aspartic acid, which is acidic and polar, with histidine, which is basic and polar, at codon 465 of the POLG protein (p.Asp465His). This variant is not present in population databases (gnomAD no frequency). This variant has not been reported in the literature in individuals affected with POLG-related conditions. Advanced modeling of protein sequence and biophysical properties (such as structural, functional, and spatial information, amino acid conservation, physicochemical variation, residue mobility, and thermodynamic stability) performed at Invitae indicates that this missense variant is not expected to disrupt POLG protein function with a negative predictive value of 95%. In summary, the available evidence is currently insufficient to determine the role of this variant in disease. Therefore, it has been classified as a Variant of Uncertain Significance.

NM_002693.3(POLG):c.1393G>C (p.Asp465His)

Gene: POLG (DNA polymerase gamma, catalytic subunit; minus strand). Cytogenetic location: 15q26.1.
Variant type: single nucleotide variant.
Coding change: c.1393G>C on transcript NM_002693.3 (MANE Select); coding-DNA position 1393, G replaced by C.
Protein change: p.Asp465His; replaces aspartic acid 465 with histidine.
Molecular consequence: missense variant.
Genome position (GRCh38, 1-based): chr15:89,327,207, C>G on the plus strand (G>C on the coding strand, the complement: POLG is on the minus strand). VCF-style: chr15-89327207-C-G. GRCh37 (hg19) VCF-style: chr15-89870438-C-G.
Other names: c.1393G>C, p.Asp465His (NM_001126131.2); short protein forms D465H.
Identifiers: ClinVar variation 3572627 (VCV003572627.3).